The following is an entry in ClinVar:

Conditions:
Breast-ovarian cancer, familial, susceptibility to, 1 (BROVCA1). Also called: BRCA1 Hereditary Breast and Ovarian Cancer; OVARIAN CANCER, SUSCEPTIBILITY TO. Identifiers: Orphanet 145, MedGen C2676676, MONDO:0011450, OMIM 604370. Disease mechanism: loss of function.

Submission:

Brotman Baty Institute, University of Washington
No classification provided (evidence only). Condition: Breast-ovarian cancer, familial 1. Review status: no classification provided. Collection method: in vitro. Allele origin: not applicable. Functional consequence: function_uncertain_variant.
ClinVar note: "not provided" was previously submitted as the classification for the variant. However, the classification appeared to be based only on an observation of functional data so it was converted to no classification on 2025-07-30.

NM_007294.4(BRCA1):c.5278-3C>A

Gene: BRCA1 (BRCA1 DNA repair associated; minus strand). Cytogenetic location: 17q21.31.
Variant type: single nucleotide variant.
Coding change: c.5278-3C>A on transcript NM_007294.4 (MANE Select); 3 bases into the intron before coding-DNA position 5278, C replaced by A.
Molecular consequence: intron variant.
Genome position (GRCh38, 1-based): chr17:43,051,120, G>T on the plus strand (C>A on the coding strand, the complement: BRCA1 is on the minus strand). VCF-style: chr17-43051120-G-T. GRCh37 (hg19) VCF-style: chr17-41203137-G-T.
Other names: c.1825-3C>A (NM_001408458.1, NM_001408461.1, NM_001408464.1 and 7 more transcripts); c.4387-3C>A (NM_001407967.1); c.4897-3C>A (NM_001407959.1); c.5011-3C>A (NM_001407931.1, NM_001407932.1, NM_001407928.1 and 4 more transcripts); c.5134-3C>A (NM_001407747.1, NM_001407745.1, NM_001407737.1 and 21 more transcripts); c.4894-3C>A (NM_001407962.1, NM_001407960.1); c.1465-3C>A (NM_001408512.1); c.1588-3C>A (NM_001408510.1); and 74 more.
Identifiers: ClinVar variation 867949 (VCV000867949.3), dbSNP rs786203963, ClinGen allele CA916081048.